The following is an entry in ClinVar:

ClinVar aggregate classification (germline): Uncertain significance (1 of 4 stars; one submission).

Allele frequency attached by ClinVar (database versions not stated): gnomAD 0.00001; TOPMed 0.00001.
gnomAD v4.1: 10 of 1,612,430 alleles (0.00062%); highest among the groups gnomAD compares: Non-Finnish European, 0.00085%; no homozygotes.

Submission:

Labcorp Genetics (formerly Invitae), Labcorp
Classification: Uncertain significance. Last evaluated: 2022-03-12. Review status: criteria provided, single submitter. Criteria: Invitae Variant Classification Sherloc (09022015). Collection method: clinical testing. Allele origin: germline.
Comment: In summary, the available evidence is currently insufficient to determine the role of this variant in disease. Therefore, it has been classified as a Variant of Uncertain Significance. Algorithms developed to predict the effect of missense changes on protein structure and function output the following: SIFT: "Tolerated"; PolyPhen-2: "Benign"; Align-GVGD: "Class C0". The valine amino acid residue is found in multiple mammalian species, which suggests that this missense change does not adversely affect protein function. This variant has not been reported in the literature in individuals affected with HMCN1-related conditions. This variant is not present in population databases (gnomAD no frequency). This sequence change replaces isoleucine, which is neutral and non-polar, with valine, which is neutral and non-polar, at codon 388 of the HMCN1 protein (p.Ile388Val).

NM_031935.3(HMCN1):c.1162A>G (p.Ile388Val)

Gene: HMCN1 (hemicentin 1; plus strand). Cytogenetic location: 1q31.1.
Variant type: single nucleotide variant.
Coding change: c.1162A>G on transcript NM_031935.3 (MANE Select); coding-DNA position 1162, A replaced by G.
Protein change: p.Ile388Val; replaces isoleucine 388 with valine.
Molecular consequence: missense variant.
Genome position (GRCh38, 1-based): chr1:185,923,530, A>G. VCF-style: chr1-185923530-A-G. GRCh37 (hg19) VCF-style: chr1-185892662-A-G.
Other names: short protein forms I388V.
Identifiers: ClinVar variation 2052084 (VCV002052084.4), dbSNP rs1220826224, ClinGen allele CA343893564.